The following is an entry in ClinVar:

ClinVar aggregate classification (germline): Likely benign (1 of 4 stars; one submission).

Submission:

GeneDx
Classification: Likely benign. Last evaluated: 2018-06-14. Review status: criteria provided, single submitter. Criteria: GeneDx Variant Classification (06012015). Collection method: clinical testing. Allele origin: germline. Affected: yes.
Comment: This variant is considered likely benign or benign based on one or more of the following criteria: it is a conservative change, it occurs at a poorly conserved position in the protein, it is predicted to be benign by multiple in silico algorithms, and/or has population frequency not consistent with disease.

NM_001377.3(DYNC2H1):c.12766-273_12766-270del

Gene: DYNC2H1 (dynein cytoplasmic 2 heavy chain 1; plus strand). Cytogenetic location: 11q22.3.
Variant type: Microsatellite.
Coding change: c.12766-273_12766-270del on transcript NM_001377.3 (MANE Select); 273 bases into the intron before coding-DNA position 12766 through 270 bases into the intron before coding-DNA position 12766, 4 bases deleted (TTAT; older notation c.12766-273_12766-270delTTAT).
Molecular consequence: intron variant.
Genome position (GRCh38, 1-based): chr11:103,478,822-103,478,825, TTAT deleted; deleting any 4 consecutive bases within chr11:103,478,817-103,478,825 gives the same sequence; the c. name uses the placement nearest the transcript's 3' end. VCF-style (leftmost placement, unchanged base first): chr11-103478816-TTTTA-T. GRCh37 (hg19) VCF-style: chr11-103349544-TTTTA-T.
Other names: c.12787-273_12787-270del (NM_001080463.2).
Identifiers: ClinVar variation 673037 (VCV000673037.1), dbSNP rs146010054, ClinGen allele CA227471607.